The following is an entry in ClinVar:

NM_015702.3(MMADHC):c.311C>T (p.Ala104Val)

Gene: MMADHC (metabolism of cobalamin associated D; minus strand). Cytogenetic location: 2q23.2.
Variant type: single nucleotide variant.
Coding change: c.311C>T on transcript NM_015702.3 (MANE Select); coding-DNA position 311, C replaced by T.
Protein change: p.Ala104Val; replaces alanine 104 with valine.
Molecular consequence: missense variant.
Genome position (GRCh38, 1-based): chr2:149,579,492, G>A on the plus strand (C>T on the coding strand, the complement: MMADHC is on the minus strand). VCF-style: chr2-149579492-G-A. GRCh37 (hg19) VCF-style: chr2-150436006-G-A.
Other names: short protein forms A104V.
Identifiers: ClinVar variation 856679 (VCV000856679.9), dbSNP rs533388008, ClinGen allele CA1902451.
Genomic context (GRCh38, chr2:149,579,492, plus strand): 5'-TGAAATTCATTCACATATTGTGCCATCACAAACTCATGTCTTTCACTTGATAAAGGTTCT[G>A]CTAGAACATCAGGCAAAGTTTTATGAACCAGGCTTTTCTTCTGTGAAGCAGTCCCATTGA-3'
Protein context (NP_056517.1, residues 94-114): LVHKTLPDVL[Ala104Val]EPLSSERHEF

ClinVar aggregate classification (germline): Uncertain significance. Review status: criteria provided, multiple submitters, no conflicts (2 of 4 stars). 4 submissions from 4 submitters: Uncertain significance (3). 1 of the submissions does not count toward it. Last evaluated 2023-02-28.

Conditions:
Inborn genetic diseases. Identifiers: MedGen C0950123, MeSH D030342.
Methylmalonic aciduria and homocystinuria type cblD (MAHCD). Also called: Methylmalonic aciduria with homocystinuria cblD type; METHYLMALONIC ACIDEMIA, cblH TYPE. Identifiers: Orphanet 622, Orphanet 79283, MedGen C1848552, MONDO:0010185, OMIM 277410.

Allele frequency attached by ClinVar (database versions not stated): gnomAD below 0.00001 and 0.00001; gnomAD exomes 0.00001; TOPMed 0.00001; ExAC 0.00002; 1000 Genomes Project 30x 0.00016; 1000 Genomes Project 0.00020.
gnomAD v4.1: 8 of 1,612,776 alleles (0.0005%); highest among the groups gnomAD compares: South Asian, 0.0088%; no homozygotes.

Submissions (4):

Ambry Genetics
Classification: Uncertain significance for Inborn genetic diseases. Last evaluated: 2023-02-28. Review status: criteria provided, single submitter. Criteria: Ambry Variant Classification Scheme 2023. Collection method: clinical testing. Allele origin: germline.

Labcorp Genetics (formerly Invitae), Labcorp
Classification: Uncertain significance for Methylmalonic aciduria and homocystinuria type cblD. Last evaluated: 2022-07-15. Review status: criteria provided, single submitter. Criteria: Invitae Variant Classification Sherloc (09022015). Collection method: clinical testing. Allele origin: germline.
Comment: This sequence change replaces alanine, which is neutral and non-polar, with valine, which is neutral and non-polar, at codon 104 of the MMADHC protein (p.Ala104Val). This variant is present in population databases (rs533388008, gnomAD 0.003%). This variant has not been reported in the literature in individuals affected with MMADHC-related conditions. ClinVar contains an entry for this variant (Variation ID: 856679). Algorithms developed to predict the effect of missense changes on protein structure and function (SIFT, PolyPhen-2, Align-GVGD) all suggest that this variant is likely to be tolerated. In summary, the available evidence is currently insufficient to determine the role of this variant in disease. Therefore, it has been classified as a Variant of Uncertain Significance.

Fulgent Genetics
Classification: Uncertain significance for Methylmalonic aciduria and homocystinuria type cblD. Last evaluated: 2021-12-17. Review status: criteria provided, single submitter. Criteria: ACMG Guidelines, 2015. Collection method: clinical testing. Allele origin: unknown.

Natera, Inc.
Classification: Uncertain significance for Methylmalonic aciduria with homocystinuria cblD type. Last evaluated: 2020-03-24. Review status: no assertion criteria provided. Collection method: clinical testing. Allele origin: germline. Not counted in ClinVar's aggregate classification.